The following is an entry in ClinVar:

ClinVar aggregate classification (germline): Uncertain significance. Review status: criteria provided, multiple submitters, no conflicts (2 of 4 stars). 3 submissions from 3 submitters: Uncertain significance (3). Last evaluated 2026-03-23.

Conditions:
Inborn genetic diseases. Identifiers: MedGen C0950123, MeSH D030342.
Hyperammonemic encephalopathy due to carbonic anhydrase VA deficiency. Also called: Carbonic Anhydrase VA Deficiency; Carbonic anhydrase VA deficiency, hyperammonemia due to. Identifiers: Orphanet 401948, MedGen C4706871, MONDO:0014332, OMIM 615751.

Allele frequency attached by ClinVar (database versions not stated): ESP Exome Variant Server 0.00008; TOPMed 0.00015; ExAC 0.00008; gnomAD exomes 0.00010; gnomAD 0.00014.
gnomAD v4.1: 372 of 1,612,720 alleles (0.023%); highest among the groups gnomAD compares: Non-Finnish European, 0.03%; no homozygotes.

Submissions (3):

GeneDx
Classification: Uncertain significance. Last evaluated: 2026-03-23. Review status: criteria provided, single submitter. Criteria: GeneDx Variant Classification Process June 2021. Collection method: clinical testing. Allele origin: germline.
Comment: In silico analysis supports that this missense variant has a deleterious effect on protein structure/function; Has not been previously published as pathogenic or benign to our knowledge

Ambry Genetics
Classification: Uncertain significance for Inborn genetic diseases. Last evaluated: 2025-04-12. Review status: criteria provided, single submitter. Criteria: Ambry Variant Classification Scheme 2023. Collection method: clinical testing. Allele origin: germline.

Labcorp Genetics (formerly Invitae), Labcorp
Classification: Uncertain significance for Hyperammonemic encephalopathy due to carbonic anhydrase VA deficiency. Last evaluated: 2021-08-18. Review status: criteria provided, single submitter. Criteria: Invitae Variant Classification Sherloc (09022015). Collection method: clinical testing. Allele origin: germline.
Comment: In summary, the available evidence is currently insufficient to determine the role of this variant in disease. Therefore, it has been classified as a Variant of Uncertain Significance. Algorithms developed to predict the effect of missense changes on protein structure and function output the following: SIFT: "Tolerated"; PolyPhen-2: "Possibly Damaging"; Align-GVGD: "Class C0". The glutamine amino acid residue is found in multiple mammalian species, suggesting that this missense change does not adversely affect protein function. These predictions have not been confirmed by published functional studies and their clinical significance is uncertain. This variant has not been reported in the literature in individuals with CA5A-related conditions. This variant is present in population databases (rs139816901, ExAC 0.01%). This sequence change replaces histidine with glutamine at codon 205 of the CA5A protein (p.His205Gln). The histidine residue is highly conserved and there is a small physicochemical difference between histidine and glutamine.

NM_001739.2(CA5A):c.615T>A (p.His205Gln)

Gene: CA5A (carbonic anhydrase 5A; minus strand). Cytogenetic location: 16q24.2.
Variant type: single nucleotide variant.
Coding change: c.615T>A on transcript NM_001739.2 (MANE Select); coding-DNA position 615, T replaced by A.
Protein change: p.His205Gln; replaces histidine 205 with glutamine.
Molecular consequence: missense variant. On other transcripts: non-coding transcript variant (2).
Genome position (GRCh38, 1-based): chr16:87,901,915, A>T on the plus strand (T>A on the coding strand, the complement: CA5A is on the minus strand). VCF-style: chr16-87901915-A-T. GRCh37 (hg19) VCF-style: chr16-87935521-A-T.
Other names: c.615T>A (NM_001739.1); c.615T>A, p.His205Gln (NM_001367225.1); short protein forms H205Q.
Identifiers: ClinVar variation 1423412 (VCV001423412.10), dbSNP rs139816901, ClinGen allele CA8223372.